The following is an entry in ClinVar:

ClinVar aggregate classification (germline): Uncertain significance. Review status: criteria provided, multiple submitters, no conflicts (2 of 4 stars). 2 submissions from 2 submitters: Uncertain significance (2). Last evaluated 2024-02-24.

Conditions:
Aicardi-Goutieres syndrome 5. Identifiers: Orphanet 51, MedGen C2749659, MONDO:0013059, OMIM 612952.

Allele frequency attached by ClinVar (database versions not stated): gnomAD exomes below 0.00001; ExAC 0.00001.
gnomAD v4.1: 1 of 1,613,670 alleles (0.000062%); highest among the groups gnomAD compares: Admixed American, 0.0017%; no homozygotes.

Submissions (2):

Labcorp Genetics (formerly Invitae), Labcorp
Classification: Uncertain significance for Aicardi-Goutieres syndrome 5. Last evaluated: 2024-02-24. Review status: criteria provided, single submitter. Criteria: Invitae Variant Classification Sherloc (09022015). Collection method: clinical testing. Allele origin: germline.
Comment: This sequence change replaces proline, which is neutral and non-polar, with serine, which is neutral and polar, at codon 139 of the SAMHD1 protein (p.Pro139Ser). This variant is present in population databases (rs766101778, gnomAD 0.003%). This variant has not been reported in the literature in individuals affected with SAMHD1-related conditions. ClinVar contains an entry for this variant (Variation ID: 2176908). Advanced modeling of protein sequence and biophysical properties (such as structural, functional, and spatial information, amino acid conservation, physicochemical variation, residue mobility, and thermodynamic stability) performed at Invitae indicates that this missense variant is expected to disrupt SAMHD1 protein function with a positive predictive value of 80%. In summary, the available evidence is currently insufficient to determine the role of this variant in disease. Therefore, it has been classified as a Variant of Uncertain Significance.

CeGaT Center for Human Genetics Tuebingen
Classification: Uncertain significance. Last evaluated: 2022-09-01. Review status: criteria provided, single submitter. Criteria: CeGaT Center For Human Genetics Tuebingen Variant Classification Criteria Version 2. Collection method: clinical testing. Allele origin: germline. Affected: yes. Observed: 1 variant allele.
Comment: SAMHD1: PP3

NM_015474.4(SAMHD1):c.415C>T (p.Pro139Ser)

Gene: SAMHD1 (SAM and HD domain containing deoxynucleoside triphosphate triphosphohydrolase 1; minus strand). Cytogenetic location: 20q11.23.
Variant type: single nucleotide variant.
Coding change: c.415C>T on transcript NM_015474.4 (MANE Select); coding-DNA position 415, C replaced by T.
Protein change: p.Pro139Ser; replaces proline 139 with serine.
Molecular consequence: missense variant.
Genome position (GRCh38, 1-based): chr20:36,935,123, G>A on the plus strand (C>T on the coding strand, the complement: SAMHD1 is on the minus strand). VCF-style: chr20-36935123-G-A. GRCh37 (hg19) VCF-style: chr20-35563526-G-A.
Other names: c.415C>T, p.Pro139Ser (NM_001363729.2, NM_001363733.2); short protein forms P139S.
Identifiers: ClinVar variation 2176908 (VCV002176908.28), dbSNP rs766101778, ClinGen allele CA9844740.